The following is an entry in ClinVar:

ClinVar aggregate classification (germline): Uncertain significance. Review status: reviewed by expert panel (3 of 4 stars). 2 submissions from 2 submitters: Uncertain significance (1). 1 of the submissions does not count toward it. Last evaluated 2025-10-30.

Conditions:
Glycogen storage disease, type II (IOPD). Also called: Glucosidase acid-1,4-alpha deficiency; Pompe Disease; POMPE DISEASE, INFANTILE-ONSET; GLYCOGEN STORAGE DISEASE II, INFANTILE-ONSET; ACID ALPHA-GLUCOSIDASE DEFICIENCY, INFANTILE-ONSET; GAA DEFICIENCY, INFANTILE-ONSET. Identifiers: Orphanet 365, MedGen C0017921, MONDO:0009290, OMIM 232300.

Submissions (2):

ClinGen Lysosomal Storage Disorder Variant Curation Expert Panel
Classification: Uncertain significance for Glycogen storage disease, type II. Last evaluated: 2025-10-30. Review status: reviewed by expert panel. Criteria: clingen_lsd_acmg_specifications_v2-1. Collection method: curation. Allele origin: germline. Inheritance: Autosomal recessive inheritance.
Comment: The NM_000152.5:c.1390A>T variant in GAA is a missense variant predicted to cause substitution of arginine by tryptophan at amino acid 464 (p.Arg464Trp). To our knowledge, this variant has not been reported in the literature in any individuals with Pompe disease and functional studies have not been performed. This variant is absent in gnomAD v4.1.0. (PM2_Supporting). The computational predictor REVEL gives a score of 0.694 which is neither above nor below the thresholds predicting a damaging (>0.7) or benign (<0.5) impact on GAA function. There is a ClinVar entry for this variant (Variation ID: 843677). In summary, this variant meets the criteria to be classified as Uncertain Significance for Pompe disease based on the GAA-specific ACMG/AMP criteria applied, as specified by the ClinGen Lysosomal Diseases Variant Curation Expert Panel (Specifications Version 2.0): PM2_Supporting. (Classification approved by the ClinGen Lysosomal Diseases Variant Curation Expert Panel on October 30, 2025)

Labcorp Genetics (formerly Invitae), Labcorp
Classification: Uncertain significance for Glycogen storage disease, type II. Last evaluated: 2023-11-13. Review status: criteria provided, single submitter. Criteria: Invitae Variant Classification Sherloc (09022015). Collection method: clinical testing. Allele origin: germline. Not counted in ClinVar's aggregate classification.
Comment: This sequence change replaces arginine, which is basic and polar, with tryptophan, which is neutral and slightly polar, at codon 464 of the GAA protein (p.Arg464Trp). This variant is not present in population databases (gnomAD no frequency). This variant has not been reported in the literature in individuals affected with GAA-related conditions. ClinVar contains an entry for this variant (Variation ID: 843677). Advanced modeling of protein sequence and biophysical properties (such as structural, functional, and spatial information, amino acid conservation, physicochemical variation, residue mobility, and thermodynamic stability) performed at Invitae indicates that this missense variant is expected to disrupt GAA protein function with a positive predictive value of 95%. In summary, the available evidence is currently insufficient to determine the role of this variant in disease. Therefore, it has been classified as a Variant of Uncertain Significance.

NM_000152.5(GAA):c.1390A>T (p.Arg464Trp)

Gene: GAA (alpha glucosidase; plus strand). Cytogenetic location: 17q25.3.
Variant type: single nucleotide variant.
Coding change: c.1390A>T on transcript NM_000152.5 (MANE Select); coding-DNA position 1390, A replaced by T.
Protein change: p.Arg464Trp; replaces arginine 464 with tryptophan.
Molecular consequence: missense variant.
Genome position (GRCh38, 1-based): chr17:80,110,008, A>T. VCF-style: chr17-80110008-A-T. GRCh37 (hg19) VCF-style: chr17-78083807-A-T.
Other names: NM_000152.5(GAA):c.1390A>T; p.Arg464Trp; c.1390A>T, p.Arg464Trp (NM_001079803.3, NM_001079804.3); short protein forms R464W.
Identifiers: ClinVar variation 843677 (VCV000843677.12), dbSNP rs2039193001, ClinGen allele CA401366487.